The following is an entry in ClinVar:

NM_018136.5(ASPM):c.7674C>A (p.Ile2558=)

Gene: ASPM (assembly factor for spindle microtubules; minus strand). Cytogenetic location: 1q31.3.
Variant type: single nucleotide variant.
Coding change: c.7674C>A on transcript NM_018136.5 (MANE Select); coding-DNA position 7674, C replaced by A.
Protein change: p.Ile2558=; no amino-acid change (isoleucine 2558 retained).
Molecular consequence: synonymous variant. On other transcripts: intron variant (1).
Genome position (GRCh38, 1-based): chr1:197,101,577, G>T on the plus strand (C>A on the coding strand, the complement: ASPM is on the minus strand). VCF-style: chr1-197101577-G-T. GRCh37 (hg19) VCF-style: chr1-197070707-G-T.
Other names: c.4066-5413C>A (NM_001206846.2).
Identifiers: ClinVar variation 157876 (VCV000157876.32), dbSNP rs41308365, ClinGen allele CA171252.

ClinVar aggregate classification (germline): Benign/Likely benign. Review status: criteria provided, multiple submitters, no conflicts (2 of 4 stars). 7 submissions from 7 submitters: Benign (2); Likely benign (4). 1 of the submissions does not count toward it. Last evaluated 2025-08-04.

Conditions:
Microcephaly 5, primary, autosomal recessive (MCPH5). Also called: ASPM Primary Microcephaly. Identifiers: Orphanet 2512, MedGen C1837501, MONDO:0012106, OMIM 608716.

Submissions (7):

Labcorp Genetics (formerly Invitae), Labcorp
Classification: Likely benign. Last evaluated: 2025-08-04. Review status: criteria provided, single submitter. Criteria: Invitae Variant Classification Sherloc (09022015). Collection method: clinical testing. Allele origin: germline.

CeGaT Center for Human Genetics Tuebingen
Classification: Likely benign. Last evaluated: 2025-01-01. Review status: criteria provided, single submitter. Criteria: CeGaT Center For Human Genetics Tuebingen Variant Classification Criteria Version 2. Collection method: clinical testing. Allele origin: germline. Affected: yes. Observed: 1 variant allele.
Comment: ASPM: BP4, BP7

Blueprint Genetics
Classification: Likely benign. Last evaluated: 2024-09-13. Review status: criteria provided, single submitter. Criteria: ACMG Guidelines, 2015. Collection method: clinical testing. Allele origin: germline.

Genome-Nilou Lab
Classification: Benign for Microcephaly 5, primary, autosomal recessive. Last evaluated: 2023-04-11. Review status: criteria provided, single submitter. Criteria: ACMG Guidelines, 2015. Collection method: clinical testing. Allele origin: germline. Affected: no.

GeneDx
Classification: Likely benign. Last evaluated: 2019-01-28. Review status: criteria provided, single submitter. Criteria: GeneDx Variant Classification Process June 2021. Collection method: clinical testing. Allele origin: germline. Affected: yes.

Illumina Laboratory Services, Illumina
Classification: Benign for Microcephaly 5, primary, autosomal recessive. Last evaluated: 2017-04-27. Review status: criteria provided, single submitter. Criteria: ICSL Variant Classification Criteria 13 December 2019. Collection method: clinical testing. Allele origin: germline.
Comment: This variant was observed as part of a predisposition screen in an ostensibly healthy population. A literature search was performed for the gene, cDNA change, and amino acid change (where applicable). Publications were found based on this search. The evidence from the literature, in combination with allele frequency data from public databases where available, was sufficient to rule this variant out of causing disease. Therefore, this variant is classified as benign.

Genetic Services Laboratory, University of Chicago
Classification: Likely benign. Review status: no assertion criteria provided. Collection method: clinical testing. Allele origin: germline. Inheritance: Autosomal recessive inheritance. Not counted in ClinVar's aggregate classification.
Comment: Likely benign based on allele frequency in 1000 Genomes Project or ESP global frequency and its presence in a patient with a rare or unrelated disease phenotype. NOT Sanger confirmed

Literature cited by the submitters: PubMed 14574646 (cited by Illumina Laboratory Services, Illumina).